The following is an entry in ClinVar:

ClinVar aggregate classification (germline): Likely pathogenic. Review status: criteria provided, multiple submitters, no conflicts (2 of 4 stars). 5 submissions from 5 submitters: Likely pathogenic (5). Last evaluated 2024-04-15.

Conditions:
Breast-ovarian cancer, familial, susceptibility to, 4. Identifiers: Orphanet 145, MedGen C3280345, MONDO:0013669, OMIM 614291.
Hereditary cancer-predisposing syndrome. Also called: Hereditary neoplastic syndrome; Tumor predisposition; Hereditary Cancer Syndrome; Neoplastic Syndromes, Hereditary. Identifiers: Orphanet 140162, MedGen C0027672, MeSH D009386, MONDO:0015356.

Submissions (5):

Labcorp Genetics (formerly Invitae), Labcorp
Classification: Likely pathogenic for Breast-ovarian cancer, familial, susceptibility to, 4. Last evaluated: 2024-04-15. Review status: criteria provided, single submitter. Criteria: Invitae Variant Classification Sherloc (09022015). Collection method: clinical testing. Allele origin: germline.
Comment: This sequence change creates a premature translational stop signal (p.Leu215Thrfs*112) in the RAD51D gene. While this is not anticipated to result in nonsense mediated decay, it is expected to disrupt the last 114 amino acid(s) of the RAD51D protein. This variant is present in population databases (no rsID available, gnomAD 0.003%). This variant has not been reported in the literature in individuals affected with RAD51D-related conditions. ClinVar contains an entry for this variant (Variation ID: 492434). This variant disrupts the ATPase domain and RAD51C interaction domain of the RAD51D protein, which are necessary for the DNA repair activity (PMID: 14704354, 19327148, 21111057, 10749867). While functional studies have not been performed to directly test the effect of this variant on RAD51D protein function, this suggests that disruption of this region of the protein is causative of disease. In summary, the currently available evidence indicates that the variant is pathogenic, but additional data are needed to prove that conclusively. Therefore, this variant has been classified as Likely Pathogenic.

Myriad Genetics, Inc.
Classification: Likely pathogenic for Breast-ovarian cancer, familial, susceptibility to, 4. Last evaluated: 2023-11-30. Review status: criteria provided, single submitter. Criteria: Myriad Autosomal Dominant, Autosomal Recessive and X-Linked Classification Criteria (2023). Collection method: clinical testing. Allele origin: unknown.
Comment: This variant is considered likely pathogenic. This variant creates a frameshift predicted to result in premature protein truncation.

Ambry Genetics
Classification: Likely pathogenic for Hereditary cancer-predisposing syndrome. Last evaluated: 2022-06-21. Review status: criteria provided, single submitter. Criteria: Ambry Variant Classification Scheme 2023. Collection method: clinical testing. Allele origin: germline.
Comment: The c.641dupC variant, located in coding exon 7 of the RAD51D gene, results from a duplication of C at nucleotide position 641, causing a translational frameshift with a predicted alternate stop codon (p.L215Tfs*112). This alteration occurs at the 3' terminus of theRAD51D gene, is not expected to trigger nonsense-mediated mRNA decay, and impacts the last 114 amino acids of the protein. However, premature stop codons are typically deleterious in nature and the impacted region is critical for protein function (Ambry internal data). This variant is considered to be rare based on population cohorts in the Genome Aggregation Database (gnomAD). Based on the majority of available evidence to date, this variant is likely to be pathogenic.

Baylor Genetics
Classification: Likely pathogenic for Breast-ovarian cancer, familial, susceptibility to, 4. Last evaluated: 2022-06-20. Review status: criteria provided, single submitter. Criteria: ACMG Guidelines, 2015. Collection method: clinical testing. Allele origin: unknown.

Color Diagnostics, LLC DBA Color Health
Classification: Likely pathogenic for Hereditary cancer-predisposing syndrome. Last evaluated: 2019-04-03. Review status: criteria provided, single submitter. Criteria: ACMG Guidelines, 2015. Collection method: clinical testing. Allele origin: germline.

Literature cited by the submitters: PubMed 14704354 (cited by Labcorp Genetics (formerly Invitae), Labcorp); PubMed 19327148 (cited by Labcorp Genetics (formerly Invitae), Labcorp); PubMed 21111057 (cited by Labcorp Genetics (formerly Invitae), Labcorp); PubMed 10749867 (cited by Labcorp Genetics (formerly Invitae), Labcorp).

NM_002878.4(RAD51D):c.641dup (p.Leu215fs)

Genes: RAD51D (RAD51 paralog D; minus strand), RAD51L3-RFFL (RAD51L3-RFFL readthrough; minus strand). Cytogenetic location: 17q12.
Variant type: Duplication.
Coding change: c.641dup on transcript NM_002878.4 (MANE Select); coding-DNA position 641, one base duplicated (C; older notation c.641dupC).
Protein change: p.Leu215fs; shifts the reading frame from leucine 215.
Molecular consequence: frameshift variant. On other transcripts: non-coding transcript variant (3).
Genome position (GRCh38, 1-based): chr17:35,103,480, G duplicated on the plus strand (C on the coding strand, the reverse complement: RAD51D is on the minus strand); the first of 4 consecutive G bases (chr17:35,103,480-35,103,483); duplicating any one gives the same sequence. VCF-style (leftmost placement, unchanged base first): chr17-35103479-T-TG. GRCh37 (hg19) VCF-style: chr17-33430498-T-TG.
Other names: c.641dupC (NM_002878.3); c.701dup, p.Leu235fs (NM_001142571.2); c.305dup, p.Leu103fs (NM_133629.3); short protein forms L235fs, L103fs, L215fs.
Identifiers: ClinVar variation 492434 (VCV000492434.16), dbSNP rs1409088398, ClinGen allele CA625782483.